The following is an entry in ClinVar:

ClinVar aggregate classification (germline): Uncertain significance (1 of 4 stars; one submission).

Submission:

GeneDx
Classification: Uncertain significance. Last evaluated: 2026-08-05. Review status: criteria provided, single submitter. Criteria: GeneDx Variant Classification Process June 2021. Collection method: clinical testing. Allele origin: germline.
Comment: Not observed at significant frequency in large population cohorts (gnomAD); Has not been previously published as pathogenic or benign to our knowledge; Frameshift variant predicted to result in abnormal protein length as the last 126 amino acids are replaced with 53 different amino acids

NM_032833.5(PPP1R15B):c.1762del (p.Ser588fs)

Gene: PPP1R15B (protein phosphatase 1 regulatory subunit 15B; minus strand). Cytogenetic location: 1q32.1.
Variant type: Deletion.
Coding change: c.1762del on transcript NM_032833.5 (MANE Select); coding-DNA position 1762, one base deleted (T; older notation c.1762delT).
Protein change: p.Ser588fs; shifts the reading frame from serine 588.
Molecular consequence: frameshift variant.
Genome position (GRCh38, 1-based): chr1:204,409,650, A deleted on the plus strand (T on the coding strand, the reverse complement: PPP1R15B is on the minus strand). VCF-style (leftmost placement, unchanged base first): chr1-204409649-GA-G. GRCh37 (hg19) VCF-style: chr1-204378777-GA-G.
Other names: short protein forms S588fs.
Identifiers: ClinVar variation 2579632 (VCV002579632.2), dbSNP rs2526500600, ClinGen allele CA2580617943.